The following is an entry in ClinVar:

ClinVar aggregate classification (germline): Likely benign. Review status: criteria provided, multiple submitters, no conflicts (2 of 4 stars). 2 submissions from 2 submitters: Likely benign (2). Last evaluated 2026-03-01.

Conditions:
Cardiovascular phenotype. Identifiers: MedGen CN230736.

gnomAD v4.1: 1 of 1,610,884 alleles (0.000062%); highest among the groups gnomAD compares: Non-Finnish European, 0.000085%; no homozygotes.

Submissions (2):

CeGaT Center for Human Genetics Tuebingen
Classification: Likely benign. Last evaluated: 2026-03-01. Review status: criteria provided, single submitter. Criteria: CeGaT Center For Human Genetics Tuebingen Variant Classification Criteria Version 2. Collection method: clinical testing. Allele origin: germline. Affected: yes. Observed: 2 variant alleles.
Comment: TNXB: BP4, BP7

Ambry Genetics
Classification: Likely benign for Cardiovascular phenotype. Last evaluated: 2023-11-13. Review status: criteria provided, single submitter. Criteria: Ambry Variant Classification Scheme 2023. Collection method: clinical testing. Allele origin: germline.

NM_001365276.2(TNXB):c.2559G>C (p.Pro853=)

Gene: TNXB (tenascin XB; minus strand). Cytogenetic location: 6p21.33.
Variant type: single nucleotide variant.
Coding change: c.2559G>C on transcript NM_001365276.2 (MANE Select); coding-DNA position 2559, G replaced by C.
Protein change: p.Pro853=; no amino-acid change (proline 853 retained).
Molecular consequence: synonymous variant.
Genome position (GRCh38, 1-based): chr6:32,089,005, C>G on the plus strand (G>C on the coding strand, the complement: TNXB is on the minus strand). VCF-style: chr6-32089005-C-G. GRCh37 (hg19) VCF-style: chr6-32056782-C-G.
Other names: c.2559G>C, p.Pro853= (NM_001428335.1, NM_019105.8).
Identifiers: ClinVar variation 3227253 (VCV003227253.5), dbSNP rs1007864090, ClinGen allele CA136900748.